The following is an entry in ClinVar:

NM_000815.5(GABRD):c.392C>T (p.Ser131Leu)

Gene: GABRD (gamma-aminobutyric acid type A receptor subunit delta; plus strand). Cytogenetic location: 1p36.33.
Variant type: single nucleotide variant.
Coding change: c.392C>T on transcript NM_000815.5 (MANE Select); coding-DNA position 392, C replaced by T.
Protein change: p.Ser131Leu; replaces serine 131 with leucine.
Molecular consequence: missense variant.
Genome position (GRCh38, 1-based): chr1:2,025,660, C>T. VCF-style: chr1-2025660-C-T. GRCh37 (hg19) VCF-style: chr1-1957099-C-T.
Other names: short protein forms S131L.
Identifiers: ClinVar variation 580694 (VCV000580694.8), dbSNP rs201306411, ClinGen allele CA534629.
Genomic context (GRCh38, chr1:2,025,660, plus strand): 5'-TGGACAGCCGCTTCGTGGACAAGCTGTGGCTGCCCGACACCTTCATCGTGAACGCCAAGT[C>T]GGCCTGGTTCCACGACGTGACGGTGGAGAACAAGCTCATCCGGCTGCAGCCCGACGGCGT-3'
Protein context (NP_000806.2, residues 121-141): LPDTFIVNAK[Ser131Leu]AWFHDVTVEN

ClinVar aggregate classification (germline): Uncertain significance (1 of 4 stars; one submission).

Conditions:
Idiopathic generalized epilepsy. Also called: EIG; Generalised epilepsy. Identifiers: MedGen C0270850, MONDO:0005579, OMIM 600669.

Allele frequency attached by ClinVar (database versions not stated): gnomAD exomes below 0.00001; ExAC 0.00001; TOPMed 0.00001.

Submission:

Labcorp Genetics (formerly Invitae), Labcorp
Classification: Uncertain significance for Idiopathic generalized epilepsy. Last evaluated: 2023-10-12. Review status: criteria provided, single submitter. Criteria: Invitae Variant Classification Sherloc (09022015). Collection method: clinical testing. Allele origin: germline.
Comment: This sequence change replaces serine, which is neutral and polar, with leucine, which is neutral and non-polar, at codon 131 of the GABRD protein (p.Ser131Leu). This variant is present in population databases (rs201306411, gnomAD 0.0009%). This variant has not been reported in the literature in individuals affected with GABRD-related conditions. ClinVar contains an entry for this variant (Variation ID: 580694). An algorithm developed to predict the effect of missense changes on protein structure and function (PolyPhen-2) suggests that this variant is likely to be disruptive. In summary, the available evidence is currently insufficient to determine the role of this variant in disease. Therefore, it has been classified as a Variant of Uncertain Significance.